The following is an entry in ClinVar:

NM_000135.4(FANCA):c.3316G>A (p.Glu1106Lys)

Gene: FANCA (FA complementation group A; minus strand). Cytogenetic location: 16q24.3.
Variant type: single nucleotide variant.
Coding change: c.3316G>A on transcript NM_000135.4 (MANE Select); coding-DNA position 3316, G replaced by A.
Protein change: p.Glu1106Lys; replaces glutamic acid 1106 with lysine.
Molecular consequence: missense variant.
Genome position (GRCh38, 1-based): chr16:89,748,691, C>T on the plus strand (G>A on the coding strand, the complement: FANCA is on the minus strand). VCF-style: chr16-89748691-C-T. GRCh37 (hg19) VCF-style: chr16-89815099-C-T.
Other names: c.3316G>A (LRG_495t1); c.3316G>A, p.Glu1106Lys (NM_001286167.3); short protein forms E1106K.
Identifiers: ClinVar variation 555397 (VCV000555397.15), dbSNP rs777825824, ClinGen allele CA8251236.
Genomic context (GRCh38, chr16:89,748,691, plus strand): 5'-GACGGACACGTGCACACGGGGCACCTACCATCTCAGAGTTGACCAAGTGGAAGAACTGCT[C>T]GCATCTGGCAGTGATGGGCTGTTCTGCCTGGAAGCTGCTGCCGCAGAGGACAGACGAAGG-3'
Protein context (NP_000126.2, residues 1096-1116): QAEQPITARC[Glu1106Lys]QFFHLVNSEM

ClinVar aggregate classification (germline): Conflicting classifications of pathogenicity. Review status: criteria provided, conflicting classifications (1 of 4 stars). 6 submissions from 6 submitters: Uncertain significance (1); Likely benign (1). 4 of the submissions do not count toward it. Last evaluated 2025-12-03.

Conditions:
FANCA-related disorder. Also called: FANCA-related condition.
Fanconi anemia (FA). Also called: Fanconi's anemia. Identifiers: Orphanet 84, MedGen C0015625, MeSH D005199, MONDO:0019391.
Fanconi anemia complementation group A (FANCA). Also called: FANCA-Related Fanconi Anemia; Fanconi anemia, group A. Identifiers: Orphanet 84, MedGen C3469521, MONDO:0009215, OMIM 227650.

Allele frequency attached by ClinVar (database versions not stated): ExAC 0.00001; gnomAD 0.00002 and 0.00003; gnomAD exomes 0.00002; TOPMed 0.00003.
gnomAD v4.1: 32 of 1,614,106 alleles (0.002%); highest among the groups gnomAD compares: African/African-American, 0.004%; no homozygotes.

Submissions (6):

Labcorp Genetics (formerly Invitae), Labcorp
Classification: Likely benign for Fanconi anemia. Last evaluated: 2025-12-03. Review status: criteria provided, single submitter. Criteria: Invitae Variant Classification Sherloc (09022015). Collection method: clinical testing. Allele origin: germline.

Fulgent Genetics
Classification: Uncertain significance for Fanconi anemia complementation group A. Last evaluated: 2022-02-25. Review status: criteria provided, single submitter. Criteria: ACMG Guidelines, 2015. Collection method: clinical testing. Allele origin: unknown.

PreventionGenetics, part of Exact Sciences
Classification: Uncertain significance for FANCA-related condition. Last evaluated: 2024-09-13. Review status: no assertion criteria provided. Collection method: clinical testing. Allele origin: germline. Not counted in ClinVar's aggregate classification.
Comment: The FANCA c.3316G>A variant is predicted to result in the amino acid substitution p.Glu1106Lys. This variant has been reported previously, in the cis configuration with another variant designated FANCA c.3338A>T, in individuals with Fanconi anemia who also harbored a second FANCA variant on the opposite allele (Table S2 in Zhang et al. 2015. PubMed ID: 25239263; Coleman et al. 2023. PubMed ID: 37276838). This variant is reported in 0.0080% of alleles in individuals of African descent in gnomAD and has conflicting interpretations ranging from uncertain to likely benign in ClinVar. At this time, the clinical significance of this variant is uncertain due to the absence of conclusive functional and genetic evidence.

Natera, Inc.
Classification: Uncertain significance for Fanconi anemia. Last evaluated: 2021-10-15. Review status: no assertion criteria provided. Collection method: clinical testing. Allele origin: germline. Not counted in ClinVar's aggregate classification.

Leiden Open Variation Database
Classification: Uncertain significance for Fanconi anemia complementation group A. Last evaluated: 2020-02-28. Review status: no assertion criteria provided. Collection method: curation. Allele origin: germline. Affected: yes. Not counted in ClinVar's aggregate classification.
Comment: Curator: Arleen D. Auerbach. Submitter to LOVD: Arleen D. Auerbach.

Counsyl
Classification: Uncertain significance for Fanconi anemia complementation group A. Last evaluated: 2017-12-04. Review status: no assertion criteria provided. Collection method: clinical testing. Allele origin: unknown. Not counted in ClinVar's aggregate classification.

Literature cited by the submitters: PubMed 25239263 (cited by Counsyl).